The following is an entry in ClinVar:

NM_001367561.1(DOCK7):c.5855G>A (p.Arg1952His)

Gene: DOCK7 (dedicator of cytokinesis 7; minus strand). Cytogenetic location: 1p31.3.
Variant type: single nucleotide variant.
Coding change: c.5855G>A on transcript NM_001367561.1 (MANE Select); coding-DNA position 5855, G replaced by A.
Protein change: p.Arg1952His; replaces arginine 1952 with histidine.
Molecular consequence: missense variant.
Genome position (GRCh38, 1-based): chr1:62,475,813, C>T on the plus strand (G>A on the coding strand, the complement: DOCK7 is on the minus strand). VCF-style: chr1-62475813-C-T. GRCh37 (hg19) VCF-style: chr1-62941484-C-T.
Other names: c.5822G>A, p.Arg1941His (NM_001271999.2); c.5735G>A, p.Arg1912His (NM_001272000.2); c.5729G>A, p.Arg1910His (NM_001272001.2); c.5828G>A, p.Arg1943His (NM_001330614.2); c.5762G>A, p.Arg1921His (NM_033407.4); short protein forms R1910H, R1912H, R1921H, R1941H, R1943H, R1952H.
Identifiers: ClinVar variation 944341 (VCV000944341.9), dbSNP rs149407043, ClinGen allele CA885343.

ClinVar aggregate classification (germline): Uncertain significance (1 of 4 stars; one submission).

Conditions:
Developmental and epileptic encephalopathy, 23 (DEE23). Also called: Epileptic encephalopathy, early infantile, 23. Identifiers: Orphanet 411986, MedGen C4014492, MONDO:0014371, OMIM 615859.

Allele frequency attached by ClinVar (database versions not stated): gnomAD exomes 0.00001 and 0.00002; ExAC 0.00003; gnomAD 0.00004 and 0.00005; TOPMed 0.00004; ESP Exome Variant Server 0.00015; 1000 Genomes Project 30x 0.00016; 1000 Genomes Project 0.00020.
gnomAD v4.1: 28 of 1,614,012 alleles (0.0017%); highest among the groups gnomAD compares: African/African-American, 0.004%; no homozygotes.

Submission:

Labcorp Genetics (formerly Invitae), Labcorp
Classification: Uncertain significance for Developmental and epileptic encephalopathy, 23. Last evaluated: 2023-11-27. Review status: criteria provided, single submitter. Criteria: Invitae Variant Classification Sherloc (09022015). Collection method: clinical testing. Allele origin: germline.
Comment: This sequence change replaces arginine, which is basic and polar, with histidine, which is basic and polar, at codon 1941 of the DOCK7 protein (p.Arg1941His). This variant is present in population databases (rs149407043, gnomAD 0.004%). This variant has not been reported in the literature in individuals affected with DOCK7-related conditions. ClinVar contains an entry for this variant (Variation ID: 944341). Advanced modeling of protein sequence and biophysical properties (such as structural, functional, and spatial information, amino acid conservation, physicochemical variation, residue mobility, and thermodynamic stability) performed at Invitae indicates that this missense variant is expected to disrupt DOCK7 protein function with a positive predictive value of 80%. In summary, the available evidence is currently insufficient to determine the role of this variant in disease. Therefore, it has been classified as a Variant of Uncertain Significance.